The following is an entry in ClinVar:

ClinVar aggregate classification (germline): Likely benign. Review status: criteria provided, multiple submitters, no conflicts (2 of 4 stars). 2 submissions from 2 submitters: Likely benign (2). Last evaluated 2018-06-19.

Allele frequency attached by ClinVar (database versions not stated): 1000 Genomes Project 30x 0.00484; 1000 Genomes Project 0.00519; TOPMed 0.00878; gnomAD 0.00911 and 0.00935; gnomAD exomes 0.01407.
gnomAD v4.1: 13,928 of 1,044,098 alleles (1.3%); highest among the groups gnomAD compares: South Asian, 1.8%; 136 homozygotes.

Submissions (2):

GeneDx
Classification: Likely benign. Last evaluated: 2018-06-19. Review status: criteria provided, single submitter. Criteria: GeneDx Variant Classification (06012015). Collection method: clinical testing. Allele origin: germline. Affected: yes.
Comment: This variant is considered likely benign or benign based on one or more of the following criteria: it is a conservative change, it occurs at a poorly conserved position in the protein, it is predicted to be benign by multiple in silico algorithms, and/or has population frequency not consistent with disease.

Breakthrough Genomics
Classification: Likely benign. Review status: criteria provided, single submitter. Criteria: ACMG Guidelines, 2015. Collection method: not provided. Allele origin: germline. Inheritance: Autosomal recessive inheritance. Affected: yes.

NM_001854.4(COL11A1):c.990+69C>T

Gene: COL11A1 (collagen type XI alpha 1 chain; minus strand). Cytogenetic location: 1p21.1.
Variant type: single nucleotide variant.
Coding change: c.990+69C>T on transcript NM_001854.4 (MANE Select); 69 bases into the intron after coding-DNA position 990, C replaced by T.
Molecular consequence: intron variant.
Genome position (GRCh38, 1-based): chr1:103,025,452, G>A on the plus strand (C>T on the coding strand, the complement: COL11A1 is on the minus strand). VCF-style: chr1-103025452-G-A. GRCh37 (hg19) VCF-style: chr1-103491008-G-A.
Other names: c.873+69C>T (NM_001190709.2); c.1026+69C>T (NM_080629.3); c.897+764C>T (NM_080630.4).
Identifiers: ClinVar variation 675202 (VCV000675202.2), dbSNP rs41292531, ClinGen allele CA27712320.